The following is an entry in ClinVar:

NM_015072.5(TTLL5):c.1493A>G (p.Tyr498Cys)

Gene: TTLL5 (tubulin tyrosine ligase like 5; plus strand). Cytogenetic location: 14q24.3.
Variant type: single nucleotide variant.
Coding change: c.1493A>G on transcript NM_015072.5 (MANE Select); coding-DNA position 1493, A replaced by G.
Protein change: p.Tyr498Cys; replaces tyrosine 498 with cysteine.
Molecular consequence: missense variant.
Genome position (GRCh38, 1-based): chr14:75,752,898, A>G. VCF-style: chr14-75752898-A-G. GRCh37 (hg19) VCF-style: chr14-76219241-A-G.
Other names: short protein forms Y498C.
Identifiers: ClinVar variation 1008898 (VCV001008898.4), dbSNP rs758716349, ClinGen allele CA7279408.

ClinVar aggregate classification (germline): Uncertain significance (1 of 4 stars; one submission).

Allele frequency attached by ClinVar (database versions not stated): gnomAD exomes below 0.00001 and 0.00001; ExAC 0.00001.
gnomAD v4.1: 3 of 1,613,432 alleles (0.00019%); highest among the groups gnomAD compares: Admixed American, 0.0017%; no homozygotes.

Submission:

Labcorp Genetics (formerly Invitae), Labcorp
Classification: Uncertain significance. Last evaluated: 2022-07-05. Review status: criteria provided, single submitter. Criteria: Invitae Variant Classification Sherloc (09022015). Collection method: clinical testing. Allele origin: germline.
Comment: This sequence change replaces tyrosine, which is neutral and polar, with cysteine, which is neutral and slightly polar, at codon 498 of the TTLL5 protein (p.Tyr498Cys). This variant is present in population databases (rs758716349, gnomAD 0.0009%). This variant has not been reported in the literature in individuals affected with TTLL5-related conditions. ClinVar contains an entry for this variant (Variation ID: 1008898). Algorithms developed to predict the effect of missense changes on protein structure and function (SIFT, PolyPhen-2, Align-GVGD) all suggest that this variant is likely to be disruptive. In summary, the available evidence is currently insufficient to determine the role of this variant in disease. Therefore, it has been classified as a Variant of Uncertain Significance.